The following is an entry in ClinVar:

ClinVar aggregate classification (germline): Conflicting classifications of pathogenicity. Review status: criteria provided, conflicting classifications (1 of 4 stars). 14 submissions from 13 submitters: Uncertain significance (10); Likely benign (2). 2 of the submissions do not count toward it. Last evaluated 2026-10-19.

Conditions:
Nephronophthisis 4 (NPHP4). Also called: NEPHRONOPHTHISIS 4, JUVENILE. Identifiers: Orphanet 655, MedGen C1847013, MONDO:0011752, OMIM 606966.
Senior-Loken syndrome 4 (SLSN4). Identifiers: Orphanet 3156, MedGen C1846979, MONDO:0011756, OMIM 606996.
NPHP4-related disorder. Also called: NPHP4-related disorders; NPHP4-related condition. Identifiers: MedGen CN239384.
Nephronophthisis. Also called: Juvenile Nephronophthisis. Identifiers: Orphanet 655, MedGen C0687120, MONDO:0019005, HP:0000090.

Allele frequency attached by ClinVar (database versions not stated): ESP Exome Variant Server 0.00008; 1000 Genomes Project 30x 0.00016; 1000 Genomes Project 0.00020; TOPMed 0.00023; gnomAD 0.00024 and 0.00029; gnomAD exomes 0.00040 and 0.00046; ExAC 0.00092.

Submissions (14):

GeneDx
Classification: Uncertain significance. Last evaluated: 2026-10-19. Review status: criteria provided, single submitter. Criteria: GeneDx Variant Classification Process June 2021. Collection method: clinical testing. Allele origin: germline.
Comment: Identified in a patient with steroid resistant nephrotic syndrome in the published literature (PMID: 37464296); In silico analysis suggests that this missense variant does not alter protein structure/function; This variant is associated with the following publications: (PMID: 37464296)

PreventionGenetics, part of Exact Sciences
Classification: Uncertain significance for NPHP4-related condition. Last evaluated: 2026-03-26. Review status: criteria provided, single submitter. Criteria: ACMG Guidelines, 2015. Collection method: clinical testing. Allele origin: germline.
Comment: The NPHP4 c.3175G>A variant is predicted to result in the amino acid substitution p.Ala1059Thr. This variant was previously reported as a variant of uncertain significance in a patient with steroid-resistant nephrotic syndrome (Saha et al. 2023. PubMed ID: 37464296). However, this variant is reported in 0.11% of alleles in individuals of South Asian descent in gnomAD, which may be too frequent to be a primary cause of disease. Although we suspect that this variant may be benign, the clinical significance of this variant is currently classified as uncertain due to the absence of conclusive functional and genetic evidence.

Blueprint Genetics
Classification: Likely benign. Last evaluated: 2024-10-30. Review status: criteria provided, single submitter. Criteria: ACMG Guidelines, 2015. Collection method: clinical testing. Allele origin: germline.

Fulgent Genetics
Classification: Uncertain significance for Nephronophthisis 4; Senior-Loken syndrome 4. Last evaluated: 2024-03-20. Review status: criteria provided, single submitter. Criteria: ACMG Guidelines, 2015. Collection method: clinical testing. Allele origin: germline.

Mayo Clinic Laboratories, Mayo Clinic
Classification: Uncertain significance. Last evaluated: 2022-12-08. Review status: criteria provided, single submitter. Criteria: ACMG Guidelines, 2015. Collection method: clinical testing. Allele origin: germline. Observed: 2 variant alleles.
Comment: BP4

Labcorp Genetics (formerly Invitae), Labcorp
Classification: Uncertain significance for Nephronophthisis. Last evaluated: 2022-10-13. Review status: criteria provided, single submitter. Criteria: Invitae Variant Classification Sherloc (09022015). Collection method: clinical testing. Allele origin: germline.
Comment: This sequence change replaces alanine, which is neutral and non-polar, with threonine, which is neutral and polar, at codon 1059 of the NPHP4 protein (p.Ala1059Thr). This variant is present in population databases (rs202004152, gnomAD 0.1%). This variant has not been reported in the literature in individuals affected with NPHP4-related conditions. ClinVar contains an entry for this variant (Variation ID: 502319). Advanced modeling of protein sequence and biophysical properties (such as structural, functional, and spatial information, amino acid conservation, physicochemical variation, residue mobility, and thermodynamic stability) performed at Invitae indicates that this missense variant is not expected to disrupt NPHP4 protein function. In summary, the available evidence is currently insufficient to determine the role of this variant in disease. Therefore, it has been classified as a Variant of Uncertain Significance.

CeGaT Center for Human Genetics Tuebingen
Classification: Likely benign. Last evaluated: 2022-04-01. Review status: criteria provided, single submitter. Criteria: CeGaT Center For Human Genetics Tuebingen Variant Classification Criteria Version 2. Collection method: clinical testing. Allele origin: germline. Affected: yes. Observed: 1 variant allele.
Comment: NPHP4: BP4

Department of Pathology and Laboratory Medicine, Sinai Health System
Classification: Uncertain significance for Nephronophthisis 4; Senior-Loken syndrome 4. Last evaluated: 2020-07-22. Review status: criteria provided, single submitter. Criteria: ACMG Guidelines, 2015. Collection method: research. Allele origin: germline.

Eurofins Ntd Llc (ga)
Classification: Uncertain significance. Last evaluated: 2018-06-22. Review status: criteria provided, single submitter. Criteria: EGL ClinVar v180209 classification definitions. Collection method: clinical testing. Allele origin: germline. Observed: 4 variant alleles, 4 heterozygotes.

Illumina Laboratory Services, Illumina
Classification: Uncertain significance for Nephronophthisis 4. Last evaluated: 2018-01-12. Review status: criteria provided, single submitter. Criteria: ICSL Variant Classification Criteria 13 December 2019. Collection method: clinical testing. Allele origin: germline.

Illumina Laboratory Services, Illumina
Classification: Uncertain significance for Senior-Loken syndrome 4. Last evaluated: 2018-01-12. Review status: criteria provided, single submitter. Criteria: ICSL Variant Classification Criteria 13 December 2019. Collection method: clinical testing. Allele origin: germline.

Breakthrough Genomics
Classification: Uncertain significance. Review status: criteria provided, single submitter. Criteria: ACMG Guidelines, 2015. Collection method: not provided. Allele origin: germline. Inheritance: Autosomal recessive inheritance. Affected: yes.

Clinical Genetics DNA and cytogenetics Diagnostics Lab, Erasmus MC, Erasmus Medical Center
Classification: Likely benign. Review status: no assertion criteria provided. Collection method: clinical testing. Allele origin: germline. Affected: yes. Study: VKGL Data-share Consensus. Not counted in ClinVar's aggregate classification.

Genome Diagnostics Laboratory, University Medical Center Utrecht
Classification: Likely benign. Review status: no assertion criteria provided. Collection method: clinical testing. Allele origin: germline. Affected: yes. Study: VKGL Data-share Consensus. Not counted in ClinVar's aggregate classification.

NM_015102.5(NPHP4):c.3175G>A (p.Ala1059Thr)

Gene: NPHP4 (nephrocystin 4; minus strand). Cytogenetic location: 1p36.31.
Variant type: single nucleotide variant.
Coding change: c.3175G>A on transcript NM_015102.5 (MANE Select); coding-DNA position 3175, G replaced by A.
Protein change: p.Ala1059Thr; replaces alanine 1059 with threonine.
Molecular consequence: missense variant. On other transcripts: non-coding transcript variant (1).
Genome position (GRCh38, 1-based): chr1:5,874,527, C>T on the plus strand (G>A on the coding strand, the complement: NPHP4 is on the minus strand). VCF-style: chr1-5874527-C-T. GRCh37 (hg19) VCF-style: chr1-5934587-C-T.
Other names: p.Ala1059Thr; c.1636G>A, p.Ala546Thr (NM_001291593.2); c.1639G>A, p.Ala547Thr (NM_001291594.2); short protein forms A1059T, A546T, A547T.
Identifiers: ClinVar variation 502319 (VCV000502319.52), dbSNP rs202004152, ClinGen allele CA553770.